The following is an entry in ClinVar:

ClinVar aggregate classification (germline): Uncertain significance. Review status: criteria provided, multiple submitters, no conflicts (2 of 4 stars). 2 submissions from 2 submitters: Uncertain significance (2). Last evaluated 2025-02-06.

Conditions:
Inborn genetic diseases. Identifiers: MedGen C0950123, MeSH D030342.
Brachyolmia-amelogenesis imperfecta syndrome. Also called: PLATYSPONDYLY WITH AMELOGENESIS IMPERFECTA; Tooth agenesis, selective, 6; Dental anomalies and short stature. Identifiers: Orphanet 2899, MedGen C1832594, MONDO:0011018, OMIM 601216. Disease mechanism: loss of function.

Allele frequency attached by ClinVar (database versions not stated): gnomAD exomes 0.00001.
gnomAD v4.1: 15 of 1,521,164 alleles (0.00099%); highest among the groups gnomAD compares: Non-Finnish European, 0.0013%; no homozygotes.

Submissions (2):

Ambry Genetics
Classification: Uncertain significance for Inborn genetic diseases. Last evaluated: 2025-02-06. Review status: criteria provided, single submitter. Criteria: Ambry Variant Classification Scheme 2023. Collection method: clinical testing. Allele origin: germline.
Comment: The p.G1115E variant (also known as c.3344G>A), located in coding exon 24 of the LTBP3 gene, results from a G to A substitution at nucleotide position 3344. The glycine at codon 1115 is replaced by glutamic acid, an amino acid with similar properties. This amino acid position is conserved. In addition, the in silico prediction for this alteration is inconclusive. Based on the available evidence, the clinical significance of this variant remains unclear.

Labcorp Genetics (formerly Invitae), Labcorp
Classification: Uncertain significance for Brachyolmia-amelogenesis imperfecta syndrome. Last evaluated: 2024-01-05. Review status: criteria provided, single submitter. Criteria: Invitae Variant Classification Sherloc (09022015). Collection method: clinical testing. Allele origin: germline.
Comment: This sequence change replaces glycine, which is neutral and non-polar, with glutamic acid, which is acidic and polar, at codon 1115 of the LTBP3 protein (p.Gly1115Glu). This variant is present in population databases (no rsID available, gnomAD 0.005%). This variant has not been reported in the literature in individuals affected with LTBP3-related conditions. An algorithm developed to predict the effect of missense changes on protein structure and function (PolyPhen-2) suggests that this variant is likely to be disruptive. In summary, the available evidence is currently insufficient to determine the role of this variant in disease. Therefore, it has been classified as a Variant of Uncertain Significance.

NM_001130144.3(LTBP3):c.3344G>A (p.Gly1115Glu)

Genes: LTBP3 (latent transforming growth factor beta binding protein 3; minus strand), LOC130006027 (ATAC-STARR-seq lymphoblastoid silent region 3530; plus strand). Cytogenetic location: 11q13.1.
Variant type: single nucleotide variant.
Coding change: c.3344G>A on transcript NM_001130144.3 (MANE Select); coding-DNA position 3344, G replaced by A.
Protein change: p.Gly1115Glu; replaces glycine 1115 with glutamic acid.
Molecular consequence: missense variant. On other transcripts: intron variant (2).
Genome position (GRCh38, 1-based): chr11:65,540,054, C>T on the plus strand (G>A on the coding strand, the complement: LTBP3 is on the minus strand). VCF-style: chr11-65540054-C-T. GRCh37 (hg19) VCF-style: chr11-65307525-C-T.
Other names: c.3344G>A (NM_001130144.2); c.2894-173G>A (NM_001164266.1); c.3245-173G>A (NM_021070.4); short protein forms G1115E.
Identifiers: ClinVar variation 3002695 (VCV003002695.4), dbSNP rs1180246193, ClinGen allele CA381267095.